The following is an entry in ClinVar:

ClinVar aggregate classification (germline): Uncertain significance (1 of 4 stars; one submission).

gnomAD v4.1: 1 of 1,612,322 alleles (0.000062%); highest among the groups gnomAD compares: African/African-American, 0.0013%; no homozygotes.

Submission:

Labcorp Genetics (formerly Invitae), Labcorp
Classification: Uncertain significance. Last evaluated: 2025-01-22. Review status: criteria provided, single submitter. Criteria: Invitae Variant Classification Sherloc (09022015). Collection method: clinical testing. Allele origin: germline.
Comment: This sequence change replaces glycine, which is neutral and non-polar, with alanine, which is neutral and non-polar, at codon 610 of the ALPK3 protein (p.Gly610Ala). This variant is not present in population databases (gnomAD no frequency). This variant has not been reported in the literature in individuals affected with ALPK3-related conditions. Invitae Evidence Modeling of protein sequence and biophysical properties (such as structural, functional, and spatial information, amino acid conservation, physicochemical variation, residue mobility, and thermodynamic stability) indicates that this missense variant is not expected to disrupt ALPK3 protein function with a negative predictive value of 80%. In summary, the available evidence is currently insufficient to determine the role of this variant in disease. Therefore, it has been classified as a Variant of Uncertain Significance.

NM_020778.5(ALPK3):c.1223G>C (p.Gly408Ala)

Gene: ALPK3 (alpha kinase 3; plus strand). Cytogenetic location: 15q25.3.
Variant type: single nucleotide variant.
Coding change: c.1223G>C on transcript NM_020778.5 (MANE Select); coding-DNA position 1223, G replaced by C.
Protein change: p.Gly408Ala; replaces glycine 408 with alanine.
Molecular consequence: missense variant.
Genome position (GRCh38, 1-based): chr15:84,840,502, G>C. VCF-style: chr15-84840502-G-C. GRCh37 (hg19) VCF-style: chr15-85383733-G-C.
Other names: short protein forms G408A.
Identifiers: ClinVar variation 3666621 (VCV003666621.2).